The following is an entry in ClinVar:

NM_000525.4(KCNJ11):c.678C>T (p.Pro226=)

Gene: KCNJ11 (potassium inwardly rectifying channel subfamily J member 11; minus strand). Cytogenetic location: 11p15.1.
Variant type: single nucleotide variant.
Coding change: c.678C>T on transcript NM_000525.4 (MANE Select); coding-DNA position 678, C replaced by T.
Protein change: p.Pro226=; no amino-acid change (proline 226 retained).
Molecular consequence: synonymous variant.
Genome position (GRCh38, 1-based): chr11:17,387,414, G>A on the plus strand (C>T on the coding strand, the complement: KCNJ11 is on the minus strand). VCF-style: chr11-17387414-G-A. GRCh37 (hg19) VCF-style: chr11-17408961-G-A.
Other names: c.417C>T, p.Pro139= (NM_001166290.2, NM_001377296.1, NM_001377297.1).
Identifiers: ClinVar variation 193110 (VCV000193110.29), dbSNP rs74162102, ClinGen allele CA238617.

ClinVar aggregate classification (germline): Conflicting classifications of pathogenicity. Review status: criteria provided, conflicting classifications (1 of 4 stars). 11 submissions from 11 submitters: Uncertain significance (1); Benign (1); Likely benign (8). 1 of the submissions does not count toward it. Last evaluated 2025-07-09.

Conditions:
KCNJ11-related disorder. Also called: KCNJ11-related condition; KCNJ11-related disorders.
Inborn genetic diseases. Identifiers: MedGen C0950123, MeSH D030342.
Maturity-onset diabetes of the young type 13. Also called: MODY, TYPE 13. Identifiers: Orphanet 552, MedGen C4225365, MONDO:0014589, OMIM 616329.
Permanent neonatal diabetes mellitus (PNDM). Identifiers: Orphanet 99885, MedGen C1833104, MONDO:0100164, MONDO:0011643. Disease mechanism: gain of function.

Allele frequency attached by ClinVar (database versions not stated): gnomAD exomes 0.00013 and 0.00027; ExAC 0.00022; 1000 Genomes Project 30x 0.00078; 1000 Genomes Project 0.00080; ESP Exome Variant Server 0.00092; gnomAD 0.00101 and 0.00109; TOPMed 0.00120.

Submissions (11):

Labcorp Genetics (formerly Invitae), Labcorp
Classification: Likely benign. Last evaluated: 2025-07-09. Review status: criteria provided, single submitter. Criteria: Invitae Variant Classification Sherloc (09022015). Collection method: clinical testing. Allele origin: germline.

ARUP Laboratories, Molecular Genetics and Genomics, ARUP Laboratories
Classification: Likely benign. Last evaluated: 2025-04-03. Review status: criteria provided, single submitter. Criteria: ARUP Molecular Germline Variant Investigation Process 2024. Collection method: clinical testing. Allele origin: germline.

PreventionGenetics, part of Exact Sciences
Classification: Likely benign for KCNJ11-related condition. Last evaluated: 2024-11-07. Review status: criteria provided, single submitter. Criteria: ACMG Guidelines, 2015. Collection method: clinical testing. Allele origin: germline.
Comment: This variant is classified as likely benign based on ACMG/AMP sequence variant interpretation guidelines (Richards et al. 2015 PMID: 25741868, with internal and published modifications).

Women's Health and Genetics/Laboratory Corporation of America, LabCorp
Classification: Benign. Last evaluated: 2024-04-23. Review status: criteria provided, single submitter. Criteria: LabCorp Variant Classification Summary - May 2015. Collection method: clinical testing. Allele origin: germline.

Blueprint Genetics
Classification: Likely benign. Last evaluated: 2024-04-16. Review status: criteria provided, single submitter. Criteria: ACMG Guidelines, 2015. Collection method: clinical testing. Allele origin: germline.

Ambry Genetics
Classification: Likely benign for Inborn genetic diseases. Last evaluated: 2022-05-02. Review status: criteria provided, single submitter. Criteria: Ambry Variant Classification Scheme 2023. Collection method: clinical testing. Allele origin: germline.

Athena Diagnostics
Classification: Likely benign. Last evaluated: 2017-06-26. Review status: criteria provided, single submitter. Criteria: Athena Diagnostics Criteria. Collection method: clinical testing. Allele origin: germline.

Genetic Services Laboratory, University of Chicago
Classification: Likely benign. Last evaluated: 2015-12-24. Review status: criteria provided, single submitter. Criteria: ACMG Guidelines, 2015. Collection method: clinical testing. Allele origin: germline. Affected: no.

Eurofins Ntd Llc (ga)
Classification: Uncertain significance. Last evaluated: 2015-04-23. Review status: criteria provided, single submitter. Criteria: EGL Classification Definitions 2015. Collection method: clinical testing. Allele origin: germline. Observed: 2 variant alleles, 2 heterozygotes.

Clinical Genomics, Uppaluri K&H Personalized Medicine Clinic
Classification: Likely benign for Maturity-onset diabetes of the young type 13. Review status: criteria provided, single submitter. Criteria: K And H Uppaluri Personalized Medicine Clinic Variant Classification And Assertion Criteria Updated V 2. Collection method: research. Allele origin: unknown. Inheritance: Autosomal dominant inheritance.
Comment: Potent mutations in KCNJ11 gene can cause decreased production and secretion of insulin. This can lead to MODY which may be responsive to oral sulfonylureas. It is also associated with Neonatal Diabetes. However, no sufficient evidence is found to ascertain the role of this particular variant rs74162102 in MODY yet.

Natera, Inc.
Classification: Likely benign for Permanent neonatal diabetes mellitus. Last evaluated: 2020-09-16. Review status: no assertion criteria provided. Collection method: clinical testing. Allele origin: germline. Not counted in ClinVar's aggregate classification.

Literature cited by the submitters: PubMed 22512215 (cited by Athena Diagnostics); PubMed 26448950 (cited by Clinical Genomics, Uppaluri K&H Personalized Medicine Clinic); PubMed 15580558 (cited by Clinical Genomics, Uppaluri K&H Personalized Medicine Clinic); PubMed 15718250 (cited by Clinical Genomics, Uppaluri K&H Personalized Medicine Clinic); PubMed 32935446 (cited by Clinical Genomics, Uppaluri K&H Personalized Medicine Clinic); PubMed 22701567 (cited by Clinical Genomics, Uppaluri K&H Personalized Medicine Clinic).